The following is an entry in ClinVar:

NM_004369.4(COL6A3):c.3778G>T (p.Asp1260Tyr)

Gene: COL6A3 (collagen type VI alpha 3 chain; minus strand). Cytogenetic location: 2q37.3.
Variant type: single nucleotide variant.
Coding change: c.3778G>T on transcript NM_004369.4 (MANE Select); coding-DNA position 3778, G replaced by T.
Protein change: p.Asp1260Tyr; replaces aspartic acid 1260 with tyrosine.
Molecular consequence: missense variant.
Genome position (GRCh38, 1-based): chr2:237,372,239, C>A on the plus strand (G>T on the coding strand, the complement: COL6A3 is on the minus strand). VCF-style: chr2-237372239-C-A. GRCh37 (hg19) VCF-style: chr2-238280882-C-A.
Other names: c.2557G>T, p.Asp853Tyr (NM_057164.5); c.3160G>T, p.Asp1054Tyr (NM_057165.5, NM_057167.4); c.1957G>T, p.Asp653Tyr (NM_057166.5); short protein forms D1054Y, D1260Y, D653Y, D853Y.
Identifiers: ClinVar variation 2110703 (VCV002110703.4), dbSNP rs2077711625, ClinGen allele CA351199317.

ClinVar aggregate classification (germline): Uncertain significance (1 of 4 stars; one submission).

Conditions:
Bethlem myopathy 1A. Also called: MYOPATHY, BENIGN CONGENITAL, WITH CONTRACTURES; Bethlem myopathy 1; Bethlem Muscular Dystrophy. Identifiers: Orphanet 610, MedGen CN029274, MONDO:0024530, OMIM 158810.

Submission:

Labcorp Genetics (formerly Invitae), Labcorp
Classification: Uncertain significance for Bethlem myopathy 1A. Last evaluated: 2022-05-17. Review status: criteria provided, single submitter. Criteria: Invitae Variant Classification Sherloc (09022015). Collection method: clinical testing. Allele origin: germline.
Comment: This variant has not been reported in the literature in individuals affected with COL6A3-related conditions. This sequence change replaces aspartic acid, which is acidic and polar, with tyrosine, which is neutral and polar, at codon 1260 of the COL6A3 protein (p.Asp1260Tyr). This variant is not present in population databases (gnomAD no frequency). Advanced modeling of protein sequence and biophysical properties (such as structural, functional, and spatial information, amino acid conservation, physicochemical variation, residue mobility, and thermodynamic stability) performed at Invitae indicates that this missense variant is not expected to disrupt COL6A3 protein function. In summary, the available evidence is currently insufficient to determine the role of this variant in disease. Therefore, it has been classified as a Variant of Uncertain Significance.